The following is an entry in ClinVar:

ClinVar aggregate classification (germline): Uncertain significance (1 of 4 stars; one submission).

Submission:

Ambry Genetics
Classification: Uncertain significance. Last evaluated: 2026-05-19. Review status: criteria provided, single submitter. Criteria: Ambry Variant Classification Scheme 2023. Collection method: clinical testing. Allele origin: germline.
Comment: The c.3649G>A (p.A1217T) alteration is located in exon 29 (coding exon 29) of the DMBT1 gene. This alteration results from a G to A substitution at nucleotide position 3649, causing the alanine (A) at amino acid position 1217 to be replaced by a threonine (T). Based on data from gnomAD, the A allele has an overall frequency of 0.025% (1/3972) total alleles studied. The highest observed frequency was 0.034% (1/2918) of European (non-Finnish) alleles. Based on insufficient or conflicting evidence, the clinical significance of this alteration remains unclear.

NM_001377530.1(DMBT1):c.3649G>A (p.Ala1217Thr)

Gene: DMBT1 (deleted in malignant brain tumors 1; plus strand). Cytogenetic location: 10q26.13.
Variant type: single nucleotide variant.
Coding change: c.3649G>A on transcript NM_001377530.1 (MANE Select); coding-DNA position 3649, G replaced by A.
Protein change: p.Ala1217Thr; replaces alanine 1217 with threonine.
Molecular consequence: missense variant.
Genome position (GRCh38, 1-based): chr10:122,602,102, G>A. VCF-style: chr10-122602102-G-A. GRCh37 (hg19) VCF-style: chr10-124361618-G-A.
Other names: c.3649G>A, p.Ala1217Thr (NM_001320644.2, NM_007329.3); c.2152G>A, p.Ala718Thr (NM_004406.3); c.3619G>A, p.Ala1207Thr (NM_017579.3); short protein forms A1207T, A1217T, A718T.
Identifiers: ClinVar variation 4869842 (VCV004869842.1).